The following is an entry in ClinVar:

NM_001852.4(COL9A2):c.1834G>A (p.Gly612Arg)

Gene: COL9A2 (collagen type IX alpha 2 chain; minus strand). Cytogenetic location: 1p34.2.
Variant type: single nucleotide variant.
Coding change: c.1834G>A on transcript NM_001852.4 (MANE Select); coding-DNA position 1834, G replaced by A.
Protein change: p.Gly612Arg; replaces glycine 612 with arginine.
Molecular consequence: missense variant.
Genome position (GRCh38, 1-based): chr1:40,301,848, C>T on the plus strand (G>A on the coding strand, the complement: COL9A2 is on the minus strand). VCF-style: chr1-40301848-C-T. GRCh37 (hg19) VCF-style: chr1-40767520-C-T.
Other names: short protein forms G612R.
Identifiers: ClinVar variation 297291 (VCV000297291.25), dbSNP rs142151614, ClinGen allele CA791313.

ClinVar aggregate classification (germline): Conflicting classifications of pathogenicity. Review status: criteria provided, conflicting classifications (1 of 4 stars). 8 submissions from 8 submitters: Uncertain significance (5); Likely benign (2). 1 of the submissions does not count toward it. Last evaluated 2026-09-10.

Conditions:
COL9A2-related disorder. Also called: COL9A2-related condition.
Meniere disease. Also called: Ménière's disease. Identifiers: MedGen C0025281, MONDO:0007972, OMIM 156000.
Epiphyseal dysplasia, multiple, 2 (EDM2). Also called: COL9A2-Related Multiple Epiphyseal Dysplasia. Identifiers: MedGen C1838429, MONDO:0010844, OMIM 600204.

Allele frequency attached by ClinVar (database versions not stated): 1000 Genomes Project 30x 0.00016; 1000 Genomes Project 0.00020; gnomAD 0.00022; TOPMed 0.00029; gnomAD exomes 0.00034; ExAC 0.00037; ESP Exome Variant Server 0.00046.

Submissions (8):

GeneDx
Classification: Uncertain significance. Last evaluated: 2026-09-10. Review status: criteria provided, single submitter. Criteria: GeneDx Variant Classification Process June 2021. Collection method: clinical testing. Allele origin: germline.
Comment: Reported as a benign variant in an individual with severe familial short stature (FSS) (PMID: 30753492, 37561071); In silico analysis supports that this missense variant has a deleterious effect on protein structure/function; This variant is associated with the following publications: (PMID: 37561071, 30753492)

Labcorp Genetics (formerly Invitae), Labcorp
Classification: Uncertain significance. Last evaluated: 2026-02-02. Review status: criteria provided, single submitter. Criteria: Invitae Variant Classification Sherloc (09022015). Collection method: clinical testing. Allele origin: germline.
Comment: This sequence change replaces glycine, which is neutral and non-polar, with arginine, which is basic and polar, at codon 612 of the COL9A2 protein (p.Gly612Arg). This variant is present in population databases (rs142151614, gnomAD 0.07%). This variant has not been reported in the literature in individuals affected with COL9A2-related conditions. ClinVar contains an entry for this variant (Variation ID: 297291). Invitae Evidence Modeling of protein sequence and biophysical properties (such as structural, functional, and spatial information, amino acid conservation, physicochemical variation, residue mobility, and thermodynamic stability) indicates that this missense variant is expected to disrupt COL9A2 protein function with a positive predictive value of 95%. In summary, the available evidence is currently insufficient to determine the role of this variant in disease. Therefore, it has been classified as a Variant of Uncertain Significance.

Blueprint Genetics
Classification: Likely benign. Last evaluated: 2024-11-15. Review status: criteria provided, single submitter. Criteria: ACMG Guidelines, 2015. Collection method: clinical testing. Allele origin: germline.

Women's Health and Genetics/Laboratory Corporation of America, LabCorp
Classification: Uncertain significance. Last evaluated: 2024-04-03. Review status: criteria provided, single submitter. Criteria: LabCorp Variant Classification Summary - May 2015. Collection method: clinical testing. Allele origin: germline.
Comment: Variant summary: COL9A2 c.1834G>A (p.Gly612Arg) results in a non-conservative amino acid change located in a collagen triple-helical repeat region (IPR008160) of the encoded protein sequence. Five of five in-silico tools predict a damaging effect of the variant on protein function. The variant allele was found at a frequency of 0.00034 in 250902 control chromosomes (gnomAD v2.1). The variant, c.1834G>A, has been reported in the literature in an individual affected with familial short stature (Plachy_2019), however the authors of the study classified the variant as benign. This report does not provide unequivocal conclusions about association of the variant with Epiphyseal dysplasia, multiple, 2. To our knowledge, no experimental evidence demonstrating an impact on protein function has been reported. The following publication has been ascertained in the context of this evaluation (PMID: 30753492). ClinVar contains an entry for this variant (Variation ID: 297291). Based on the evidence outlined above, the variant was classified as uncertain significance.

PreventionGenetics, part of Exact Sciences
Classification: Uncertain significance for COL9A2-related condition. Last evaluated: 2023-09-25. Review status: criteria provided, single submitter. Criteria: ACMG Guidelines, 2015. Collection method: clinical testing. Allele origin: germline.
Comment: The COL9A2 c.1834G>A variant is predicted to result in the amino acid substitution p.Gly612Arg. This variant is reported in 0.063% of alleles in individuals of European (Non-Finnish) descent in gnomAD. This variant was reported in a patient with severe familial short stature; however, in this report the variant was interpreted as benign (Plachy et al. 2019. PubMed ID: 30753492). While we suspect that this variant may be benign, at this time, the clinical significance of this variant is uncertain due to the absence of conclusive functional and genetic evidence.

Revvity Omics, Revvity
Classification: Uncertain significance. Last evaluated: 2021-01-12. Review status: criteria provided, single submitter. Criteria: ACMG Guidelines, 2015. Collection method: clinical testing. Allele origin: germline.

Illumina Laboratory Services, Illumina
Classification: Likely benign for Epiphyseal dysplasia, multiple, 2. Last evaluated: 2018-01-13. Review status: criteria provided, single submitter. Criteria: ICSL Variant Classification Criteria 13 December 2019. Collection method: clinical testing. Allele origin: germline.
Comment: This variant was observed in the ICSL laboratory as part of a predisposition screen in an ostensibly healthy population. It had not been previously curated by ICSL or reported in the Human Gene Mutation Database (HGMD: prior to June 1st, 2018), and was therefore a candidate for classification through an automated scoring system. Utilizing variant allele frequency, disease prevalence and penetrance estimates, and inheritance mode, an automated score was calculated to assess if this variant is too frequent to cause the disease. Based on the score and internal cut-off values, a variant classified as likely benign is not then subjected to further curation. The score for this variant resulted in a classification of likely benign for this disease.

Center for Computational Biology & Bioinformatics, University of California, San Diego
Classification: Uncertain significance for Meniere disease. Last evaluated: 2024-06-03. Review status: no assertion criteria provided. Collection method: research. Allele origin: germline. Affected: yes. Not counted in ClinVar's aggregate classification.

Literature cited by the submitters: PubMed 30753492 (cited by Women's Health and Genetics/Laboratory Corporation of America, LabCorp).